The following is an entry in ClinVar:

ClinVar aggregate classification (germline): Likely pathogenic (1 of 4 stars; one submission).

Conditions:
Bilateral renal agenesis. Also called: Bilateral Kidney Agenesis. Identifiers: Orphanet 1848, MedGen C1609433, MONDO:0015986, HP:0010958.

Submission:

Suma Genomics
Classification: Likely pathogenic for Bilateral renal agenesis. Review status: criteria provided, single submitter. Criteria: ACMG Guidelines, 2015. Collection method: clinical testing. Allele origin: germline. Inheritance: Autosomal recessive inheritance. Affected: yes. Observed: 1 homozygote.
Comment: This variant is not observed in the gnomAD database. ACMG classification: Likely pathogenic Criteria met: PVS1: Null variant in a gene where loss of function is a known mechanism of disease. PM2_Supporting: Not observed in the gnomAD population database.

NM_001033047.3(NPNT):c.439G>T (p.Gly147Ter)

Gene: NPNT (nephronectin; plus strand). Cytogenetic location: 4q24.
Variant type: single nucleotide variant.
Coding change: c.439G>T on transcript NM_001033047.3 (MANE Select); coding-DNA position 439, G replaced by T.
Protein change: p.Gly147Ter; replaces glycine 147 with a stop codon.
Molecular consequence: nonsense.
Genome position (GRCh38, 1-based): chr4:105,938,354, G>T. VCF-style: chr4-105938354-G-T. GRCh37 (hg19) VCF-style: chr4-106859511-G-T.
Other names: c.490G>T, p.Gly164Ter (NM_001184690.2); c.529G>T, p.Gly177Ter (NM_001184691.2, NM_001184693.2); c.439G>T, p.Gly147Ter (NM_001184692.2); short protein forms G147*, G164*, G177*.
Identifiers: ClinVar variation 3774323 (VCV003774323.1).